The following is an entry in ClinVar:

ClinVar aggregate classification (germline): Uncertain significance. Review status: criteria provided, multiple submitters, no conflicts (2 of 4 stars). 2 submissions from 2 submitters: Uncertain significance (2). Last evaluated 2025-09-17.

Conditions:
Perlman syndrome (PRLMNS). Identifiers: Orphanet 2849, MedGen C0796113, MONDO:0009965, OMIM 267000.

Allele frequency attached by ClinVar (database versions not stated): TOPMed 0.00002; gnomAD 0.00003.
gnomAD v4.1: 174 of 1,614,098 alleles (0.011%); highest among the groups gnomAD compares: Non-Finnish European, 0.014%; no homozygotes.

Submissions (2):

Labcorp Genetics (formerly Invitae), Labcorp
Classification: Uncertain significance for Perlman syndrome. Last evaluated: 2025-09-17. Review status: criteria provided, single submitter. Criteria: Invitae Variant Classification Sherloc (09022015). Collection method: clinical testing. Allele origin: germline.
Comment: This sequence change replaces proline, which is neutral and non-polar, with alanine, which is neutral and non-polar, at codon 515 of the DIS3L2 protein (p.Pro515Ala). This variant is present in population databases (rs538188509, gnomAD 0.004%). This variant has not been reported in the literature in individuals affected with DIS3L2-related conditions. ClinVar contains an entry for this variant (Variation ID: 661605). An algorithm developed to predict the effect of missense changes on protein structure and function outputs the following: PolyPhen-2: "Benign". The alanine amino acid residue is found in multiple mammalian species, which suggests that this missense change does not adversely affect protein function. In summary, the available evidence is currently insufficient to determine the role of this variant in disease. Therefore, it has been classified as a Variant of Uncertain Significance.

Baylor Genetics
Classification: Uncertain significance for Perlman syndrome. Last evaluated: 2021-03-02. Review status: criteria provided, single submitter. Criteria: ACMG Guidelines, 2015. Collection method: clinical testing. Allele origin: unknown. Affected: yes. Study: CSER-TexasKidsCanSeq.
Comment: This variant was determined to be of uncertain significance according to ACMG Guidelines, 2015 [PMID:25741868].

NM_152383.5(DIS3L2):c.1543C>G (p.Pro515Ala)

Gene: DIS3L2 (DIS3 like 3'-5' exoribonuclease 2; plus strand). Cytogenetic location: 2q37.1.
Variant type: single nucleotide variant.
Coding change: c.1543C>G on transcript NM_152383.5 (MANE Select); coding-DNA position 1543, C replaced by G.
Protein change: p.Pro515Ala; replaces proline 515 with alanine.
Molecular consequence: missense variant. On other transcripts: non-coding transcript variant (2).
Genome position (GRCh38, 1-based): chr2:232,263,324, C>G. VCF-style: chr2-232263324-C-G. GRCh37 (hg19) VCF-style: chr2-233128034-C-G.
Other names: c.1543C>G, p.Pro515Ala (NM_001257281.2); short protein forms P515A.
Identifiers: ClinVar variation 661605 (VCV000661605.9), dbSNP rs538188509, ClinGen allele CA2164183.